The following is an entry in ClinVar:

ClinVar aggregate classification (germline): Conflicting classifications of pathogenicity. Review status: criteria provided, conflicting classifications (1 of 4 stars). 2 submissions from 2 submitters: Uncertain significance (1); Likely benign (1). Last evaluated 2025-03-18.

Conditions:
Baller-Gerold syndrome (BGS). Also called: CRANIOSYNOSTOSIS WITH RADIAL DEFECTS. Identifiers: Orphanet 1225, MedGen C0265308, MONDO:0009039, OMIM 218600.
Inborn genetic diseases. Identifiers: MedGen C0950123, MeSH D030342.

Allele frequency attached by ClinVar (database versions not stated): gnomAD exomes below 0.00001.

Submissions (2):

Ambry Genetics
Classification: Likely benign for Inborn genetic diseases. Last evaluated: 2025-03-18. Review status: criteria provided, single submitter. Criteria: Ambry Variant Classification Scheme 2023. Collection method: clinical testing. Allele origin: germline.

Labcorp Genetics (formerly Invitae), Labcorp
Classification: Uncertain significance for Baller-Gerold syndrome. Last evaluated: 2024-04-22. Review status: criteria provided, single submitter. Criteria: Invitae Variant Classification Sherloc (09022015). Collection method: clinical testing. Allele origin: germline.
Comment: This sequence change replaces proline, which is neutral and non-polar, with serine, which is neutral and polar, at codon 163 of the RECQL4 protein (p.Pro163Ser). This variant is not present in population databases (gnomAD no frequency). This variant has not been reported in the literature in individuals affected with RECQL4-related conditions. ClinVar contains an entry for this variant (Variation ID: 1014973). Algorithms developed to predict the effect of missense changes on protein structure and function output the following: SIFT: "Not Available"; PolyPhen-2: "Not Available"; Align-GVGD: "Not Available". The serine amino acid residue is found in multiple mammalian species, which suggests that this missense change does not adversely affect protein function. In summary, the available evidence is currently insufficient to determine the role of this variant in disease. Therefore, it has been classified as a Variant of Uncertain Significance.

NM_004260.4(RECQL4):c.487C>T (p.Pro163Ser)

Gene: RECQL4 (RecQ like helicase 4; minus strand). Cytogenetic location: 8q24.3.
Variant type: single nucleotide variant.
Coding change: c.487C>T on transcript NM_004260.4 (MANE Select); coding-DNA position 487, C replaced by T.
Protein change: p.Pro163Ser; replaces proline 163 with serine.
Molecular consequence: missense variant.
Genome position (GRCh38, 1-based): chr8:144,516,632, G>A on the plus strand (C>T on the coding strand, the complement: RECQL4 is on the minus strand). VCF-style: chr8-144516632-G-A. GRCh37 (hg19) VCF-style: chr8-145742016-G-A.
Other names: c.487C>T (NM_004260.3); short protein forms P163S.
Identifiers: ClinVar variation 1014973 (VCV001014973.6), dbSNP rs1815067197, ClinGen allele CA372691287.